The following is an entry in ClinVar:

ClinVar aggregate classification (germline): Uncertain significance (1 of 4 stars; one submission).

Conditions:
Catecholaminergic polymorphic ventricular tachycardia 1. Also called: RYR2-Related Catecholaminergic Polymorphic Ventricular Tachycardia; VENTRICULAR TACHYCARDIA, CATECHOLAMINERGIC POLYMORPHIC, 1, WITH OR WITHOUT ATRIAL DYSFUNCTION AND/OR DILATED CARDIOMYOPATHY; VENTRICULAR TACHYCARDIA, STRESS-INDUCED POLYMORPHIC 1. Identifiers: Orphanet 3286, MedGen C1631597, MONDO:0011484, OMIM 604772.

Submission:

Labcorp Genetics (formerly Invitae), Labcorp
Classification: Uncertain significance for Catecholaminergic polymorphic ventricular tachycardia 1. Last evaluated: 2020-01-19. Review status: criteria provided, single submitter. Criteria: Invitae Variant Classification Sherloc (09022015). Collection method: clinical testing. Allele origin: germline.
Comment: Algorithms developed to predict the effect of missense changes on protein structure and function are either unavailable or do not agree on the potential impact of this missense change (SIFT: "Deleterious"; PolyPhen-2: "Benign"; Align-GVGD: "Class C65"). In summary, the available evidence is currently insufficient to determine the role of this variant in disease. Therefore, it has been classified as a Variant of Uncertain Significance. This variant has not been reported in the literature in individuals with RYR2-related conditions. This sequence change replaces threonine with isoleucine at codon 259 of the RYR2 protein (p.Thr259Ile). The threonine residue is highly conserved and there is a moderate physicochemical difference between threonine and isoleucine. This variant is not present in population databases (ExAC no frequency).

NM_001035.3(RYR2):c.776C>T (p.Thr259Ile)

Gene: RYR2 (ryanodine receptor 2; plus strand). Cytogenetic location: 1q43.
Variant type: single nucleotide variant.
Coding change: c.776C>T on transcript NM_001035.3 (MANE Select); coding-DNA position 776, C replaced by T.
Protein change: p.Thr259Ile; replaces threonine 259 with isoleucine.
Molecular consequence: missense variant.
Genome position (GRCh38, 1-based): chr1:237,417,051, C>T. VCF-style: chr1-237417051-C-T. GRCh37 (hg19) VCF-style: chr1-237580351-C-T.
Other names: short protein forms T259I.
Identifiers: ClinVar variation 1007188 (VCV001007188.48), dbSNP rs758585307, ClinGen allele CA345383543.
Genomic context (GRCh38, chr1:237,417,051, plus strand): 5'-TCCAAAGAATGAAACATGTTTAACTCACATTTGGGCTTTTGTTTGTTTGTTGAAACAGAA[C>T]TGTTCATTATGAAGGTGGCGCTGTGTCTGTTCATGCACGTTCCCTTTGGAGACTAGAGAC-3'
Protein context (NP_001026.2, residues 249-269): SGEHGEEQRR[Thr259Ile]VHYEGGAVSV